The following is an entry in ClinVar:

ClinVar aggregate classification (germline): Uncertain significance. Review status: criteria provided, multiple submitters, no conflicts (2 of 4 stars). 2 submissions from 2 submitters: Uncertain significance (2). Last evaluated 2025-03-16.

Conditions:
Inborn genetic diseases. Identifiers: MedGen C0950123, MeSH D030342.
Peters plus syndrome. Also called: KRAUSE-KIVLIN SYNDROME. Identifiers: Orphanet 709, MedGen C0796012, MONDO:0009856, OMIM 261540.

Allele frequency attached by ClinVar (database versions not stated): gnomAD 0.00004; TOPMed 0.00004; ExAC 0.00005; ESP Exome Variant Server 0.00008.
gnomAD v4.1: 44 of 1,613,866 alleles (0.0027%); highest among the groups gnomAD compares: South Asian, 0.0077%; no homozygotes.

Submissions (2):

Labcorp Genetics (formerly Invitae), Labcorp
Classification: Uncertain significance for Peters plus syndrome. Last evaluated: 2025-03-16. Review status: criteria provided, single submitter. Criteria: Invitae Variant Classification Sherloc (09022015). Collection method: clinical testing. Allele origin: germline.
Comment: This sequence change replaces arginine, which is basic and polar, with histidine, which is basic and polar, at codon 377 of the B3GLCT protein (p.Arg377His). This variant is present in population databases (rs138094664, gnomAD 0.005%). This variant has not been reported in the literature in individuals affected with B3GLCT-related conditions. ClinVar contains an entry for this variant (Variation ID: 3132557). Invitae Evidence Modeling of protein sequence and biophysical properties (such as structural, functional, and spatial information, amino acid conservation, physicochemical variation, residue mobility, and thermodynamic stability) indicates that this missense variant is expected to disrupt B3GLCT protein function with a positive predictive value of 80%. In summary, the available evidence is currently insufficient to determine the role of this variant in disease. Therefore, it has been classified as a Variant of Uncertain Significance.

Ambry Genetics
Classification: Uncertain significance for Inborn genetic diseases. Last evaluated: 2023-10-13. Review status: criteria provided, single submitter. Criteria: Ambry Variant Classification Scheme 2023. Collection method: clinical testing. Allele origin: germline.

NM_194318.4(B3GLCT):c.1130G>A (p.Arg377His)

Gene: B3GLCT (beta 3-glucosyltransferase; plus strand). Cytogenetic location: 13q12.3.
Variant type: single nucleotide variant.
Coding change: c.1130G>A on transcript NM_194318.4 (MANE Select); coding-DNA position 1130, G replaced by A.
Protein change: p.Arg377His; replaces arginine 377 with histidine.
Molecular consequence: missense variant.
Genome position (GRCh38, 1-based): chr13:31,317,631, G>A. VCF-style: chr13-31317631-G-A. GRCh37 (hg19) VCF-style: chr13-31891768-G-A.
Other names: short protein forms R377H.
Identifiers: ClinVar variation 3132557 (VCV003132557.2), dbSNP rs138094664, ClinGen allele CA6936822.